The following is an entry in ClinVar:

NM_001111067.4(ACVR1):c.483C>T (p.Asp161=)

Gene: ACVR1 (activin A receptor type 1; minus strand). Cytogenetic location: 2q24.1.
Variant type: single nucleotide variant.
Coding change: c.483C>T on transcript NM_001111067.4 (MANE Select); coding-DNA position 483, C replaced by T.
Protein change: p.Asp161=; no amino-acid change (aspartic acid 161 retained).
Molecular consequence: synonymous variant.
Genome position (GRCh38, 1-based): chr2:157,778,191, G>A on the plus strand (C>T on the coding strand, the complement: ACVR1 is on the minus strand). VCF-style: chr2-157778191-G-A. GRCh37 (hg19) VCF-style: chr2-158634703-G-A.
Other names: c.483C>T, p.Asp161= (NM_001105.5, NM_001347663.1, NM_001347664.1 and 3 more transcripts).
Identifiers: ClinVar variation 1904909 (VCV001904909.7), dbSNP rs766295467, ClinGen allele CA1919146.
Genomic context (GRCh38, chr2:157,778,191, plus strand): 5'-TGCTAAAGTGCTGTCTCCAACATTGGTGGTGATGAGCCCTTCGATAGTGCCATACTCCAC[G>A]TCTCGGGGATTGAGGCGTTCTTGGTTGCGCCTTTTAAATTTTCGGAGAGCAACTCCCAGC-3'
Protein context (NP_001104537.1, residues 151-171): RRNQERLNPR[Asp161=]VEYGTIEGLI

ClinVar aggregate classification (germline): Likely benign. Review status: criteria provided, multiple submitters, no conflicts (2 of 4 stars). 2 submissions from 2 submitters: Likely benign (2). Last evaluated 2026-04-01.

Allele frequency attached by ClinVar (database versions not stated): ExAC 0.00005.
gnomAD v4.1: 22 of 1,613,968 alleles (0.0014%); highest among the groups gnomAD compares: Admixed American, 0.02%; no homozygotes.

Submissions (2):

CeGaT Center for Human Genetics Tuebingen
Classification: Likely benign. Last evaluated: 2026-04-01. Review status: criteria provided, single submitter. Criteria: CeGaT Center For Human Genetics Tuebingen Variant Classification Criteria Version 2. Collection method: clinical testing. Allele origin: germline. Affected: yes. Observed: 1 variant allele.
Comment: ACVR1: BP4, BP7

Labcorp Genetics (formerly Invitae), Labcorp
Classification: Likely benign. Last evaluated: 2025-09-24. Review status: criteria provided, single submitter. Criteria: Invitae Variant Classification Sherloc (09022015). Collection method: clinical testing. Allele origin: germline.